The following is an entry in ClinVar:

NM_000053.4(ATP7B):c.2653A>C (p.Ile885Leu)

Gene: ATP7B (ATPase copper transporting beta; minus strand). Cytogenetic location: 13q14.3.
Variant type: single nucleotide variant.
Coding change: c.2653A>C on transcript NM_000053.4 (MANE Select); coding-DNA position 2653, A replaced by C.
Protein change: p.Ile885Leu; replaces isoleucine 885 with leucine.
Molecular consequence: missense variant.
Genome position (GRCh38, 1-based): chr13:51,950,084, T>G on the plus strand (A>C on the coding strand, the complement: ATP7B is on the minus strand). VCF-style: chr13-51950084-T-G. GRCh37 (hg19) VCF-style: chr13-52524220-T-G.
Other names: c.2005A>C, p.Ile669Leu (NM_001406545.1, NM_001406547.1); c.2167A>C, p.Ile723Leu (NM_001406546.1, NM_001005918.3, NM_001406541.1 and 1 more transcripts); c.1363A>C, p.Ile455Leu (NM_001406548.1); c.2071A>C, p.Ile691Leu (NM_001406544.1); c.2509A>C, p.Ile837Leu (NM_001406520.1, NM_001406521.1, NM_001406522.1 and 1 more transcripts); c.2653A>C, p.Ile885Leu (NM_001406523.1, NM_001406525.1, NM_001406526.1 and 7 more transcripts); c.2476A>C, p.Ile826Leu (NM_001406524.1); c.2419A>C, p.Ile807Leu (NM_001406527.1, NM_001406528.1, NM_001330578.2 and 2 more transcripts); and 8 more; short protein forms I774L, I775L, I801L, I805L, I807L, I826L, I837L, I853L.
Identifiers: ClinVar variation 4756547 (VCV004756547.1).
Genomic context (GRCh38, chr13:51,950,084, plus strand): 5'-CTTCCACCAGTTTCACAATCTGAGCCAAAGTGGTGTCATTGCCCACGTGGGTAGCTTTAA[T>G]GAGCACAGAGCCATGTGCATTTATAGACCCCGCAATTACAGTGCTTCCGGGTTTCTTAGT-3'
Protein context (NP_000044.2, residues 875-895): GSINAHGSVL[Ile885Leu]KATHVGNDTT

ClinVar aggregate classification (germline): Uncertain significance (1 of 4 stars; one submission).

Conditions:
Wilson disease (WND). Also called: Wilson's disease. Identifiers: Orphanet 905, MedGen C0019202, MONDO:0010200, OMIM 277900. Disease mechanism: loss of function.

Submission:

Color Diagnostics, LLC DBA Color Health
Classification: Uncertain significance for Wilson disease. Last evaluated: 2025-09-18. Review status: criteria provided, single submitter. Criteria: ACMG Guidelines, 2015. Collection method: clinical testing. Allele origin: germline.
Comment: This missense variant replaces isoleucine with leucine at codon 885 of the ATP7B protein. Computational prediction suggests that this variant may not impact protein structure and function. To our knowledge, functional studies have not been reported for this variant. This variant has not been reported in individuals affected with ATP7B-related disorders in the literature. This variant has not been identified in the general population by the Genome Aggregation Database (gnomAD). The available evidence is insufficient to determine the role of this variant in disease conclusively. Therefore, this variant is classified as a Variant of Uncertain Significance.